The following is an entry in ClinVar:

ClinVar aggregate classification (germline): Uncertain significance (1 of 4 stars; one submission).

Conditions:
Long QT syndrome (LQTS). Identifiers: MedGen C0023976, MeSH D008133, MONDO:0002442. Disease mechanism: loss of function. Inheritance: Various modes of inheritance.

Submission:

Labcorp Genetics (formerly Invitae), Labcorp
Classification: Uncertain significance for Long QT syndrome. Last evaluated: 2024-10-29. Review status: criteria provided, single submitter. Criteria: Invitae Variant Classification Sherloc (09022015). Collection method: clinical testing. Allele origin: germline.
Comment: This sequence change replaces glutamic acid, which is acidic and polar, with glycine, which is neutral and non-polar, at codon 278 of the AKAP9 protein (p.Glu278Gly). This variant is not present in population databases (gnomAD no frequency). This variant has not been reported in the literature in individuals affected with AKAP9-related conditions. An algorithm developed to predict the effect of missense changes on protein structure and function (PolyPhen-2) suggests that this variant is likely to be disruptive. In summary, the available evidence is currently insufficient to determine the role of this variant in disease. Therefore, it has been classified as a Variant of Uncertain Significance.

NM_005751.5(AKAP9):c.833A>G (p.Glu278Gly)

Gene: AKAP9 (A-kinase anchoring protein 9; plus strand). Cytogenetic location: 7q21.2.
Variant type: single nucleotide variant.
Coding change: c.833A>G on transcript NM_005751.5 (MANE Select); coding-DNA position 833, A replaced by G.
Protein change: p.Glu278Gly; replaces glutamic acid 278 with glycine.
Molecular consequence: missense variant.
Genome position (GRCh38, 1-based): chr7:91,995,703, A>G. VCF-style: chr7-91995703-A-G. GRCh37 (hg19) VCF-style: chr7-91625017-A-G.
Other names: c.833A>G, p.Glu278Gly (NM_147185.3); short protein forms E278G.
Identifiers: ClinVar variation 3723876 (VCV003723876.2).
Genomic context (GRCh38, chr7:91,995,703, plus strand): 5'-GCACAGCTGCAGACTTACTACAAGCCAAACAACAGATCCTCACTCATCAACAGCAGCTTG[A>G]AGAACAAGACCACTTATTAGAAGATTATCAGAAAAAGAAAGAAGACTTCACAATGCAAAT-3'
Protein context (NP_005742.4, residues 268-288): QQILTHQQQL[Glu278Gly]EQDHLLEDYQ